The following is an entry in ClinVar:

NM_001035.3(RYR2):c.1096G>A (p.Val366Ile)

Gene: RYR2 (ryanodine receptor 2; plus strand). Cytogenetic location: 1q43.
Variant type: single nucleotide variant.
Coding change: c.1096G>A on transcript NM_001035.3 (MANE Select); coding-DNA position 1096, G replaced by A.
Protein change: p.Val366Ile; replaces valine 366 with isoleucine.
Molecular consequence: missense variant.
Genome position (GRCh38, 1-based): chr1:237,441,409, G>A. VCF-style: chr1-237441409-G-A. GRCh37 (hg19) VCF-style: chr1-237604709-G-A.
Other names: short protein forms V366I.
Identifiers: ClinVar variation 3072952 (VCV003072952.1), dbSNP rs2528321997, ClinGen allele CA345376315.

ClinVar aggregate classification (germline): Uncertain significance (1 of 4 stars; one submission).

Conditions:
Catecholaminergic polymorphic ventricular tachycardia (CVPT). Also called: Catecholamine-induced polymorphic ventricular tachycardia. Identifiers: Orphanet 3286, MedGen C5574922, MONDO:0017990.

Submission:

All of Us Research Program, National Institutes of Health
Classification: Uncertain significance for Catecholaminergic polymorphic ventricular tachycardia. Last evaluated: 2023-08-15. Review status: criteria provided, single submitter. Criteria: ACMG Guidelines, 2015. Collection method: clinical testing. Allele origin: germline. Inheritance: Autosomal dominant inheritance. Observed: 1 variant allele, 1 heterozygote.
Comment: This missense variant replaces valine with isoleucine at codon 366 of the RYR2 protein. Computational prediction suggests that this variant may not impact protein structure and function (internally defined REVEL score threshold <= 0.5, PMID: 27666373). To our knowledge, functional studies have not been reported for this variant. This variant has not been reported in individuals affected with RYR2-related disorders in the literature. This variant has not been identified in the general population by the Genome Aggregation Database (gnomAD). The available evidence is insufficient to determine the role of this variant in disease conclusively. Therefore, this variant is classified as a Variant of Uncertain Significance.

This study involves interpretation of variants in research participants for the purpose of population health screening. Participant phenotype was not available at the time of variant classification. Additional details can be found in publication PMID: 35346344, PMCID: PMC8962531